The following is an entry in ClinVar:

ClinVar aggregate classification (germline): Likely benign (1 of 4 stars; one submission).

Conditions:
Leigh syndrome (NULS). Also called: Leigh's necrotizing encephalopathy; Leigh's disease; Leigh Syndrome (mtDNA deletion); Leigh Disease; Subacute necrotizing encephalopathy; Necrotizing encephalopathy infantile subacute of Leigh. Identifiers: Orphanet 506, MedGen C2931891, MONDO:0009723, OMIM 256000.

Submission:

Wong Mito Lab, Molecular and Human Genetics, Baylor College of Medicine
Classification: Likely benign for Leigh syndrome. Last evaluated: 2019-10-17. Review status: criteria provided, single submitter. Criteria: Modified ACMG Guidelines (Unpublished). Collection method: clinical testing. Allele origin: germline.
Comment: The NC_012920.1:m.4654C>T (YP_003024027.1:p.Thr62Met) variant in MTND2 gene is interpretated to be a Likely Benign variant based on the modified ACMG guidelines (unpublished). This variant meets the following evidence codes: BP4, BP6

NC_012920.1(MT-ND2):m.4654C>T

Gene: MT-ND2 (mitochondrially encoded NADH dehydrogenase 2; plus strand).
Variant type: single nucleotide variant.
Genome position: chrM-4654-C-T.
Identifiers: ClinVar variation 692472 (VCV000692472.1), dbSNP rs1603219538, ClinGen allele CA414775167.